The following is an entry in ClinVar:

ClinVar aggregate classification (germline): Uncertain significance (1 of 4 stars; one submission).

Submission:

GeneDx
Classification: Uncertain significance. Last evaluated: 2023-06-12. Review status: criteria provided, single submitter. Criteria: GeneDx Variant Classification Process June 2021. Collection method: clinical testing. Allele origin: germline. Affected: yes.
Comment: In-frame deletion of 4 amino acids in a non-repeat region; Not observed at significant frequency in large population cohorts (gnomAD); In silico analysis supports that this variant does not alter protein structure/function; Has not been previously published as pathogenic or benign to our knowledge

NM_006767.4(LZTR1):c.160_171del (p.Trp54_Leu57del)

Gene: LZTR1 (leucine zipper like post translational regulator 1; plus strand). Cytogenetic location: 22q11.21.
Variant type: Deletion.
Coding change: c.160_171del on transcript NM_006767.4 (MANE Select); coding-DNA positions 160 to 171, 12 bases deleted (TGGCGGCGCCTC).
Protein change: p.Trp54_Leu57del.
Molecular consequence: inframe deletion.
Genome position (GRCh38, 1-based): chr22:20,982,531-20,982,542, TGGCGGCGCCTC deleted; deleting any 12 consecutive bases within chr22:20,982,530-20,982,542 gives the same sequence; the c. name uses the placement nearest the transcript's 3' end. VCF-style (leftmost placement, unchanged base first): chr22-20982529-GCTGGCGGCGCCT-G. GRCh37 (hg19) VCF-style: chr22-21336818-GCTGGCGGCGCCT-G.
Identifiers: ClinVar variation 3252123 (VCV003252123.1), dbSNP rs2518607927.